The following is an entry in ClinVar:

NM_021625.5(TRPV4):c.713-7C>G

Gene: TRPV4 (transient receptor potential cation channel subfamily V member 4; minus strand). Cytogenetic location: 12q24.11.
Variant type: single nucleotide variant.
Coding change: c.713-7C>G on transcript NM_021625.5 (MANE Select); 7 bases into the intron before coding-DNA position 713, C replaced by G.
Molecular consequence: intron variant.
Genome position (GRCh38, 1-based): chr12:109,800,765, G>C on the plus strand (C>G on the coding strand, the complement: TRPV4 is on the minus strand). VCF-style: chr12-109800765-G-C. GRCh37 (hg19) VCF-style: chr12-110238570-G-C.
Other names: c.713-1853C>G (NM_001177433.1, NM_001177428.1); c.713-7C>G (NM_147204.2); c.611-7C>G (NM_001177431.1).
Identifiers: ClinVar variation 950203 (VCV000950203.10), dbSNP rs1890730627, ClinGen allele CA1139662866.

ClinVar aggregate classification (germline): Uncertain significance. Review status: criteria provided, multiple submitters, no conflicts (2 of 4 stars). 2 submissions from 2 submitters: Uncertain significance (2). Last evaluated 2025-05-06.

Conditions:
Charcot-Marie-Tooth disease axonal type 2C (HMSN2C). Also called: Charcot-Marie-Tooth Disease Type 2, TRPV4-Related (CMT2C); CHARCOT-MARIE-TOOTH DISEASE, AXONAL, AUTOSOMAL DOMINANT, TYPE 2C; Charcot-Marie-Tooth Neuropathy Type 2C. Identifiers: Orphanet 99937, MedGen C1853710, MONDO:0011633, OMIM 606071.

Submissions (2):

GeneDx
Classification: Uncertain significance. Last evaluated: 2025-05-06. Review status: criteria provided, single submitter. Criteria: GeneDx Variant Classification Process June 2021. Collection method: clinical testing. Allele origin: germline. Affected: yes.
Comment: Not observed at significant frequency in large population cohorts (gnomAD); In silico analysis supports a deleterious effect on splicing; Has not been previously published as pathogenic or benign to our knowledge

Labcorp Genetics (formerly Invitae), Labcorp
Classification: Uncertain significance for Charcot-Marie-Tooth disease axonal type 2C. Last evaluated: 2019-06-05. Review status: criteria provided, single submitter. Criteria: Invitae Variant Classification Sherloc (09022015). Collection method: clinical testing. Allele origin: germline.
Comment: This sequence change falls in intron 4 of the TRPV4 gene. It does not directly change the encoded amino acid sequence of the TRPV4 protein. This variant is not present in population databases (ExAC no frequency). In summary, the available evidence is currently insufficient to determine the role of this variant in disease. Therefore, it has been classified as a Variant of Uncertain Significance. Algorithms developed to predict the effect of sequence changes on RNA splicing suggest that this variant may disrupt the consensus splice site, but this prediction has not been confirmed by published transcriptional studies. This variant has not been reported in the literature in individuals with TRPV4-related conditions.